The following is an entry in ClinVar:

NM_017841.4(SDHAF2):c.21C>A (p.Phe7Leu)

Gene: SDHAF2 (succinate dehydrogenase complex assembly factor 2; plus strand). Cytogenetic location: 11q12.2.
Variant type: single nucleotide variant.
Coding change: c.21C>A on transcript NM_017841.4 (MANE Select); coding-DNA position 21, C replaced by A.
Protein change: p.Phe7Leu; replaces phenylalanine 7 with leucine.
Molecular consequence: missense variant.
Genome position (GRCh38, 1-based): chr11:61,430,167, C>A. VCF-style: chr11-61430167-C-A. GRCh37 (hg19) VCF-style: chr11-61197639-C-A.
Other names: short protein forms F7L.
Identifiers: ClinVar variation 2149243 (VCV002149243.4), dbSNP rs892955355, ClinGen allele CA380680173.
Genomic context (GRCh38, chr11:61,430,167, plus strand): 5'-GAAGTGCCCGCGCAGCCGGTTTCCGGTGCAGGTGGGGAAAATGGCGGTGTCTACAGTGTT[C>A]TCGACTTCGTCGCTGGTGAGGAGAGAGAACGTTCTAGCGTCCGGGGCGGGCGGCAGCGGG-3'
Protein context (NP_060311.1, residues 1-17): MAVSTV[Phe7Leu]STSSLMLALS

ClinVar aggregate classification (germline): Uncertain significance (1 of 4 stars; one submission).

Conditions:
Hereditary pheochromocytoma and paraganglioma. Also called: Hereditary paragangliomas and pheochromocytomas; Hereditary Paraganglioma-Pheochromocytoma Syndromes; Hereditary pheochromocytoma-paraganglioma. Identifiers: Orphanet 29072, MedGen C4274332, MONDO:0017366.

Submission:

Labcorp Genetics (formerly Invitae), Labcorp
Classification: Uncertain significance for Hereditary pheochromocytoma and paraganglioma. Last evaluated: 2022-10-17. Review status: criteria provided, single submitter. Criteria: Invitae Variant Classification Sherloc (09022015). Collection method: clinical testing. Allele origin: germline.
Comment: In summary, the available evidence is currently insufficient to determine the role of this variant in disease. Therefore, it has been classified as a Variant of Uncertain Significance. Algorithms developed to predict the effect of missense changes on protein structure and function output the following: SIFT: "Tolerated"; PolyPhen-2: "Benign"; Align-GVGD: "Class C0". The leucine amino acid residue is found in multiple mammalian species, which suggests that this missense change does not adversely affect protein function. This variant has not been reported in the literature in individuals affected with SDHAF2-related conditions. This variant is not present in population databases (gnomAD no frequency). This sequence change replaces phenylalanine, which is neutral and non-polar, with leucine, which is neutral and non-polar, at codon 7 of the SDHAF2 protein (p.Phe7Leu).